The following is an entry in ClinVar:

ClinVar aggregate classification (germline): Likely benign. Review status: criteria provided, multiple submitters, no conflicts (2 of 4 stars). 2 submissions from 2 submitters: Likely benign (2). Last evaluated 2026-05-01.

Conditions:
Progressive sclerosing poliodystrophy (MTDPS4A). Also called: NEURONAL DEGENERATION OF CHILDHOOD WITH LIVER DISEASE, PROGRESSIVE; ALPERS DIFFUSE DEGENERATION OF CEREBRAL GRAY MATTER WITH HEPATIC CIRRHOSIS; Alpers-Huttenlocher Syndrome; Alpers Syndrome; ALPERS PROGRESSIVE INFANTILE POLIODYSTROPHY; Mitochondrial DNA depletion syndrome 4A (Alpers type). Identifiers: Orphanet 726, MedGen C0205710, MONDO:0008758, OMIM 203700.

Submissions (2):

CeGaT Center for Human Genetics Tuebingen
Classification: Likely benign. Last evaluated: 2026-05-01. Review status: criteria provided, single submitter. Criteria: CeGaT Center For Human Genetics Tuebingen Variant Classification Criteria Version 2. Collection method: clinical testing. Allele origin: germline. Affected: yes. Observed: 1 variant allele.
Comment: POLG: PM2:Supporting, BP4, BP7

Labcorp Genetics (formerly Invitae), Labcorp
Classification: Likely benign for Progressive sclerosing poliodystrophy. Last evaluated: 2026-01-31. Review status: criteria provided, single submitter. Criteria: Invitae Variant Classification Sherloc (09022015). Collection method: clinical testing. Allele origin: germline.

NM_002693.3(POLG):c.2073A>C (p.Val691=)

Gene: POLG (DNA polymerase gamma, catalytic subunit; minus strand). Cytogenetic location: 15q26.1.
Variant type: single nucleotide variant.
Coding change: c.2073A>C on transcript NM_002693.3 (MANE Select); coding-DNA position 2073, A replaced by C.
Protein change: p.Val691=; no amino-acid change (valine 691 retained).
Molecular consequence: synonymous variant.
Genome position (GRCh38, 1-based): chr15:89,323,899, T>G on the plus strand (A>C on the coding strand, the complement: POLG is on the minus strand). VCF-style: chr15-89323899-T-G. GRCh37 (hg19) VCF-style: chr15-89867130-T-G.
Other names: c.2073A>C, p.Val691= (NM_001126131.2).
Identifiers: ClinVar variation 2179544 (VCV002179544.6), dbSNP rs2055434300, ClinGen allele CA492289477.